The following is an entry in ClinVar:

NM_022166.4(XYLT1):c.1429C>T (p.Arg477Cys)

Gene: XYLT1 (xylosyltransferase 1; minus strand). Cytogenetic location: 16p12.3.
Variant type: single nucleotide variant.
Coding change: c.1429C>T on transcript NM_022166.4 (MANE Select); coding-DNA position 1429, C replaced by T.
Protein change: p.Arg477Cys; replaces arginine 477 with cysteine.
Molecular consequence: missense variant.
Genome position (GRCh38, 1-based): chr16:17,141,311, G>A on the plus strand (C>T on the coding strand, the complement: XYLT1 is on the minus strand). VCF-style: chr16-17141311-G-A. GRCh37 (hg19) VCF-style: chr16-17235168-G-A.
Other names: short protein forms R477C.
Identifiers: ClinVar variation 1022979 (VCV001022979.10), dbSNP rs1180844430, ClinGen allele CA394876930.

ClinVar aggregate classification (germline): Uncertain significance. Review status: criteria provided, single submitter (1 of 4 stars). 3 submissions from 3 submitters: Uncertain significance (1). 2 of the submissions do not count toward it. Last evaluated 2021-12-26.

Conditions:
Desbuquois dysplasia 1 (DBQD1). Also called: DESBUQUOIS DYSPLASIA 1, KIM VARIANT; MICROMELIC DWARFISM WITH VERTEBRAL AND METAPHYSEAL ABNORMALITIES AND ADVANCED CARPOTARSAL OSSIFICATION. Identifiers: Orphanet 1425, MedGen C4012146, MONDO:0009629, OMIM 251450.

Allele frequency attached by ClinVar (database versions not stated): gnomAD exomes below 0.00001; TOPMed 0.00001.
gnomAD v4.1: 3 of 1,614,128 alleles (0.00019%); highest among the groups gnomAD compares: Non-Finnish European, 0.00025%; no homozygotes.

Submissions (3):

Labcorp Genetics (formerly Invitae), Labcorp
Classification: Uncertain significance for Desbuquois dysplasia 1. Last evaluated: 2021-12-26. Review status: criteria provided, single submitter. Criteria: Invitae Variant Classification Sherloc (09022015). Collection method: clinical testing. Allele origin: germline.
Comment: In summary, the available evidence is currently insufficient to determine the role of this variant in disease. Therefore, it has been classified as a Variant of Uncertain Significance. Algorithms developed to predict the effect of missense changes on protein structure and function (SIFT, PolyPhen-2, Align-GVGD) all suggest that this variant is likely to be disruptive. ClinVar contains an entry for this variant (Variation ID: 1022979). This variant has not been reported in the literature in individuals affected with XYLT1-related conditions. This variant is present in population databases (no rsID available, gnomAD 0.0009%). This sequence change replaces arginine, which is basic and polar, with cysteine, which is neutral and slightly polar, at codon 477 of the XYLT1 protein (p.Arg477Cys).

Diagnostic Laboratory, Department of Genetics, University Medical Center Groningen
Classification: Uncertain significance. Review status: no assertion criteria provided. Collection method: clinical testing. Allele origin: germline. Affected: yes. Study: VKGL Data-share Consensus. Not counted in ClinVar's aggregate classification.

Genome Diagnostics Laboratory, Amsterdam University Medical Center
Classification: Uncertain significance. Review status: no assertion criteria provided. Collection method: clinical testing. Allele origin: germline. Affected: yes. Study: VKGL Data-share Consensus. Not counted in ClinVar's aggregate classification.